The following is an entry in ClinVar:

NM_016356.5(DCDC2):c.704+6T>C

Gene: DCDC2 (doublecortin domain containing 2; minus strand). Cytogenetic location: 6p22.3.
Variant type: single nucleotide variant.
Coding change: c.704+6T>C on transcript NM_016356.5 (MANE Select); 6 bases into the intron after coding-DNA position 704, T replaced by C.
Molecular consequence: intron variant.
Genome position (GRCh38, 1-based): chr6:24,290,926, A>G on the plus strand (T>C on the coding strand, the complement: DCDC2 is on the minus strand). VCF-style: chr6-24290926-A-G. GRCh37 (hg19) VCF-style: chr6-24291154-A-G.
Other names: c.704+6T>C (NM_001195610.2).
Identifiers: ClinVar variation 3032679 (VCV003032679.2), dbSNP rs779147188, ClinGen allele CA3654692.

ClinVar aggregate classification (germline): Likely benign (0 of 4 stars; one submission).

Conditions:
DCDC2-related disorder. Also called: DCDC2-related condition.

Allele frequency attached by ClinVar (database versions not stated): gnomAD exomes 0.00001; TOPMed 0.00001; gnomAD 0.00002; ExAC 0.00003.
gnomAD v4.1: 13 of 1,613,014 alleles (0.00081%); highest among the groups gnomAD compares: East Asian, 0.029%; no homozygotes.

Submission:

PreventionGenetics, part of Exact Sciences
Classification: Likely benign for DCDC2-related condition. Last evaluated: 2020-09-14. Review status: no assertion criteria provided. Collection method: clinical testing. Allele origin: germline.
Comment: This variant is classified as likely benign based on ACMG/AMP sequence variant interpretation guidelines (Richards et al. 2015 PMID: 25741868, with internal and published modifications).